The following is an entry in ClinVar:

NM_007294.4(BRCA1):c.5290del (p.Gly1763_Leu1764insTer)

Gene: BRCA1 (BRCA1 DNA repair associated; minus strand). Cytogenetic location: 17q21.31.
Variant type: Deletion.
Coding change: c.5290del on transcript NM_007294.4 (MANE Select); coding-DNA position 5290, one base deleted (C; older notation c.5290delC).
Protein change: p.Gly1763_Leu1764insTer.
Molecular consequence: nonsense. On other transcripts: frameshift variant (363), non-coding transcript variant (1).
Genome position (GRCh38, 1-based): chr17:43,051,105, G deleted on the plus strand (C on the coding strand, the reverse complement: BRCA1 is on the minus strand). VCF-style (leftmost placement, unchanged base first): chr17-43051104-AG-A. GRCh37 (hg19) VCF-style: chr17-41203121-AG-A.
Other names: c.1861delC, p.Leu621Terfs (NM_001408422.1, NM_001408423.1, NM_001408424.1 and 1 more transcripts); c.1858delC, p.Leu620Terfs (NM_001408425.1, NM_001408426.1, NM_001408427.1 and 4 more transcripts); c.1855delC, p.Leu619Terfs (NM_001408432.1, NM_001408433.1, NM_001408434.1 and 10 more transcripts); c.1852delC, p.Leu618Terfs (NM_001408445.1, NM_001408446.1, NM_001408447.1 and 2 more transcripts); c.1846delC, p.Leu616Terfs (NM_001408451.1); c.1840delC, p.Leu614Terfs (NM_001408452.1, NM_001408453.1, NM_001408454.1 and 3 more transcripts); c.1837delC, p.Leu613Terfs (NM_001408458.1, NM_001408459.1, NM_001408460.1 and 7 more transcripts); c.1834delC, p.Leu612Terfs (NM_001408468.1, NM_001408469.1, NM_001408470.1); and 75 more.
Identifiers: ClinVar variation 934498 (VCV000934498.11), dbSNP rs2051210433, ClinGen allele CA1139665559.

ClinVar aggregate classification (germline): Pathogenic. Review status: criteria provided, multiple submitters, no conflicts (2 of 4 stars). 2 submissions from 2 submitters: Pathogenic (2). Last evaluated 2023-10-19.

Conditions:
Hereditary cancer-predisposing syndrome. Also called: Tumor predisposition; Neoplastic Syndromes, Hereditary; Hereditary neoplastic syndrome; Hereditary Cancer Syndrome. Identifiers: Orphanet 140162, MedGen C0027672, MeSH D009386, MONDO:0015356.
Hereditary breast ovarian cancer syndrome. Also called: Hereditary breast and ovarian cancer; Hereditary breast and ovarian cancer syndrome (HBOC); Hereditary breast and/or ovarian cancer syndrome; Hereditary breast and ovarian cancer syndrome; Breast and ovarian cancer; BRCA1- and BRCA2-Associated Hereditary Breast and Ovarian Cancer. Identifiers: Orphanet 145, MedGen C0677776, MeSH D061325, MONDO:0003582. Disease mechanism: loss of function.

Submissions (2):

Ambry Genetics
Classification: Pathogenic for Hereditary cancer-predisposing syndrome. Last evaluated: 2023-10-19. Review status: criteria provided, single submitter. Criteria: Ambry Variant Classification Scheme 2023. Collection method: clinical testing. Allele origin: germline.
Comment: The c.5290delC pathogenic mutation, located in coding exon 19 of the BRCA1 gene, results from a deletion of one nucleotide at nucleotide position 5290, causing a translational frameshift with a predicted alternate stop codon (p.L1764*). This variant is considered to be rare based on population cohorts in the Genome Aggregation Database (gnomAD). This alteration is expected to result in loss of function by premature protein truncation or nonsense-mediated mRNA decay. As such, this alteration is interpreted as a disease-causing mutation.

Labcorp Genetics (formerly Invitae), Labcorp
Classification: Pathogenic for Hereditary breast ovarian cancer syndrome. Last evaluated: 2021-06-05. Review status: criteria provided, single submitter. Criteria: Invitae Variant Classification Sherloc (09022015). Collection method: clinical testing. Allele origin: germline.
Comment: This sequence change creates a premature translational stop signal (p.Leu1764*) in the BRCA1 gene. It is expected to result in an absent or disrupted protein product. Loss-of-function variants in BRCA1 are known to be pathogenic (PMID: 20104584). For these reasons, this variant has been classified as Pathogenic. This variant has been observed in individual(s) with breast cancer (PMID: 25682074). ClinVar contains an entry for this variant (Variation ID: 934498). This variant is not present in population databases (ExAC no frequency).

Literature cited by the submitters: PubMed 20104584 (cited by Labcorp Genetics (formerly Invitae), Labcorp); PubMed 25682074 (cited by Labcorp Genetics (formerly Invitae), Labcorp).